The following is an entry in ClinVar:

ClinVar aggregate classification (germline): Conflicting classifications of pathogenicity. Review status: criteria provided, conflicting classifications (1 of 4 stars). 2 submissions from 2 submitters: Uncertain significance (1); Likely benign (1). Last evaluated 2024-03-16.

Conditions:
Inborn genetic diseases. Identifiers: MedGen C0950123, MeSH D030342.

Allele frequency attached by ClinVar (database versions not stated): gnomAD exomes 0.00002; gnomAD 0.00003; ExAC 0.00007.
gnomAD v4.1: 31 of 1,614,194 alleles (0.0019%); highest among the groups gnomAD compares: South Asian, 0.029%; 1 homozygote.

Submissions (2):

Ambry Genetics
Classification: Likely benign for Inborn genetic diseases. Last evaluated: 2024-03-16. Review status: criteria provided, single submitter. Criteria: Ambry Variant Classification Scheme 2023. Collection method: clinical testing. Allele origin: germline.

Labcorp Genetics (formerly Invitae), Labcorp
Classification: Uncertain significance. Last evaluated: 2022-07-25. Review status: criteria provided, single submitter. Criteria: Invitae Variant Classification Sherloc (09022015). Collection method: clinical testing. Allele origin: germline.
Comment: This sequence change replaces isoleucine, which is neutral and non-polar, with valine, which is neutral and non-polar, at codon 464 of the KIAA0753 protein (p.Ile464Val). This variant is present in population databases (rs770791666, gnomAD 0.02%), including at least one homozygous and/or hemizygous individual. This variant has not been reported in the literature in individuals affected with KIAA0753-related conditions. Algorithms developed to predict the effect of missense changes on protein structure and function output the following: SIFT: "Tolerated"; PolyPhen-2: "Benign"; Align-GVGD: "Class C0". The valine amino acid residue is found in multiple mammalian species, which suggests that this missense change does not adversely affect protein function. In summary, the available evidence is currently insufficient to determine the role of this variant in disease. Therefore, it has been classified as a Variant of Uncertain Significance.

NM_014804.3(KIAA0753):c.1390A>G (p.Ile464Val)

Gene: KIAA0753 (KIAA0753; minus strand). Cytogenetic location: 17p13.1.
Variant type: single nucleotide variant.
Coding change: c.1390A>G on transcript NM_014804.3 (MANE Select); coding-DNA position 1390, A replaced by G.
Protein change: p.Ile464Val; replaces isoleucine 464 with valine.
Molecular consequence: missense variant.
Genome position (GRCh38, 1-based): chr17:6,612,074, T>C on the plus strand (A>G on the coding strand, the complement: KIAA0753 is on the minus strand). VCF-style: chr17-6612074-T-C. GRCh37 (hg19) VCF-style: chr17-6515394-T-C.
Other names: c.493A>G, p.Ile165Val (NM_001351225.2); c.1390A>G (NM_014804.2); short protein forms I165V, I464V.
Identifiers: ClinVar variation 2414271 (VCV002414271.3), dbSNP rs770791666, ClinGen allele CA8330490.